The following is an entry in ClinVar:

NM_000722.4(CACNA2D1):c.206C>T (p.Thr69Ile)

Gene: CACNA2D1 (calcium voltage-gated channel auxiliary subunit alpha2delta 1; minus strand). Cytogenetic location: 7q21.11.
Variant type: single nucleotide variant.
Coding change: c.206C>T on transcript NM_000722.4 (MANE Select); coding-DNA position 206, C replaced by T.
Protein change: p.Thr69Ile; replaces threonine 69 with isoleucine.
Molecular consequence: missense variant.
Genome position (GRCh38, 1-based): chr7:82,335,223, G>A on the plus strand (C>T on the coding strand, the complement: CACNA2D1 is on the minus strand). VCF-style: chr7-82335223-G-A. GRCh37 (hg19) VCF-style: chr7-81964539-G-A.
Other names: c.206C>T, p.Thr69Ile (NM_001302890.2, NM_001366867.1); short protein forms T69I.
Identifiers: ClinVar variation 3726977 (VCV003726977.2).

ClinVar aggregate classification (germline): Uncertain significance (1 of 4 stars; one submission).

Conditions:
Brugada syndrome. Also called: Sudden unexpected nocturnal death syndrome; Sudden unexplained nocturnal death syndrome; Sudden Unexplained Nocturnal Death Syndrome (SUNDS); Sudden Unexplained Death Syndrome. Identifiers: Orphanet 130, MedGen C1142166, MONDO:0015263.

Submission:

Labcorp Genetics (formerly Invitae), Labcorp
Classification: Uncertain significance for Brugada syndrome. Last evaluated: 2024-12-10. Review status: criteria provided, single submitter. Criteria: Invitae Variant Classification Sherloc (09022015). Collection method: clinical testing. Allele origin: germline.
Comment: This sequence change replaces threonine, which is neutral and polar, with isoleucine, which is neutral and non-polar, at codon 69 of the CACNA2D1 protein (p.Thr69Ile). This variant is not present in population databases (gnomAD no frequency). This variant has not been reported in the literature in individuals affected with CACNA2D1-related conditions. An algorithm developed to predict the effect of missense changes on protein structure and function (PolyPhen-2) suggests that this variant is likely to be disruptive. In summary, the available evidence is currently insufficient to determine the role of this variant in disease. Therefore, it has been classified as a Variant of Uncertain Significance.